The following is an entry in ClinVar:

ClinVar aggregate classification (germline): Likely benign (1 of 4 stars; one submission).

Allele frequency attached by ClinVar (database versions not stated): 1000 Genomes Project 30x 0.00047; 1000 Genomes Project 0.00060.
gnomAD v4.1: 262 of 1,613,988 alleles (0.016%); highest among the groups gnomAD compares: South Asian, 0.25%; 7 homozygotes.

Submission:

CeGaT Center for Human Genetics Tuebingen
Classification: Likely benign. Last evaluated: 2023-05-01. Review status: criteria provided, single submitter. Criteria: CeGaT Center For Human Genetics Tuebingen Variant Classification Criteria Version 2. Collection method: clinical testing. Allele origin: germline. Affected: yes. Observed: 1 variant allele.
Comment: EP400: BP4, BP7

NM_015409.5(EP400):c.249C>G (p.Val83=)

Gene: EP400 (E1A binding protein p400; plus strand). Cytogenetic location: 12q24.33.
Variant type: single nucleotide variant.
Coding change: c.249C>G on transcript NM_015409.5 (MANE Select); coding-DNA position 249, C replaced by G.
Protein change: p.Val83=; no amino-acid change (valine 83 retained).
Molecular consequence: synonymous variant.
Genome position (GRCh38, 1-based): chr12:131,960,868, C>G. VCF-style: chr12-131960868-C-G. GRCh37 (hg19) VCF-style: chr12-132445413-C-G.
Identifiers: ClinVar variation 2643615 (VCV002643615.24), dbSNP rs560209898, ClinGen allele CA6884473.